The following is an entry in ClinVar:

ClinVar aggregate classification (germline): Pathogenic (1 of 4 stars; one submission).

Submission:

Labcorp Genetics (formerly Invitae), Labcorp
Classification: Pathogenic. Last evaluated: 2022-05-01. Review status: criteria provided, single submitter. Criteria: Invitae Variant Classification Sherloc (09022015). Collection method: clinical testing. Allele origin: germline.
Comment: This variant is not present in population databases (gnomAD no frequency). For these reasons, this variant has been classified as Pathogenic. This variant has not been reported in the literature in individuals affected with WNT2B-related conditions. This sequence change creates a premature translational stop signal (p.Gln84*) in the WNT2B gene. It is expected to result in an absent or disrupted protein product. Loss-of-function variants in WNT2B are known to be pathogenic (PMID: 33526876).

Literature cited by the submitters: PubMed 33526876.

NM_024494.3(WNT2B):c.250C>T (p.Gln84Ter)

Gene: WNT2B (Wnt family member 2B; plus strand). Cytogenetic location: 1p13.2.
Variant type: single nucleotide variant.
Coding change: c.250C>T on transcript NM_024494.3 (MANE Select); coding-DNA position 250, C replaced by T.
Protein change: p.Gln84Ter; replaces glutamine 84 with a stop codon.
Molecular consequence: nonsense. On other transcripts: 5 prime UTR variant (1).
Genome position (GRCh38, 1-based): chr1:112,514,941, C>T. VCF-style: chr1-112514941-C-T. GRCh37 (hg19) VCF-style: chr1-113057563-C-T.
Other names: c.-27C>T (NM_001291880.1); c.193C>T, p.Gln65Ter (NM_004185.4); short protein forms Q84*, Q65*.
Identifiers: ClinVar variation 2132434 (VCV002132434.4), dbSNP rs777193510, ClinGen allele CA28920325.
Genomic context (GRCh38, chr1:112,514,941, plus strand): 5'-GGGGCACTGGGGGCACGAGTGATCTGTGACAATATCCCTGGTTTGGTGAGCCGGCAGCGG[C>T]AGCTGTGCCAGCGTTACCCAGACATCATGCGTTCAGTGGGCGAGGGTGCCCGAGAATGGA-3'